The following is an entry in ClinVar:

ClinVar aggregate classification (germline): Uncertain significance. Review status: criteria provided, multiple submitters, no conflicts (2 of 4 stars). 2 submissions from 2 submitters: Uncertain significance (2). Last evaluated 2024-05-31.

Conditions:
Hereditary cancer-predisposing syndrome. Also called: Neoplastic Syndromes, Hereditary; Tumor predisposition; Hereditary neoplastic syndrome; Hereditary Cancer Syndrome. Identifiers: Orphanet 140162, MedGen C0027672, MeSH D009386, MONDO:0015356.
Hereditary breast ovarian cancer syndrome. Also called: Hereditary breast and ovarian cancer syndrome (HBOC); Breast and ovarian cancer; Hereditary breast and/or ovarian cancer syndrome; BRCA1- and BRCA2-Associated Hereditary Breast and Ovarian Cancer; Hereditary breast and ovarian cancer syndrome; Hereditary breast and ovarian cancer. Identifiers: Orphanet 145, MedGen C0677776, MeSH D061325, MONDO:0003582. Disease mechanism: loss of function.

Submissions (2):

Labcorp Genetics (formerly Invitae), Labcorp
Classification: Uncertain significance for Hereditary breast ovarian cancer syndrome. Last evaluated: 2024-05-31. Review status: criteria provided, single submitter. Criteria: Invitae Variant Classification Sherloc (09022015). Collection method: clinical testing. Allele origin: germline.
Comment: This sequence change replaces arginine, which is basic and polar, with leucine, which is neutral and non-polar, at codon 18 of the BRCA2 protein (p.Arg18Leu). This variant is not present in population databases (gnomAD no frequency). This variant has not been reported in the literature in individuals affected with BRCA2-related conditions. Advanced modeling of protein sequence and biophysical properties (such as structural, functional, and spatial information, amino acid conservation, physicochemical variation, residue mobility, and thermodynamic stability) performed at Invitae indicates that this missense variant is not expected to disrupt BRCA2 protein function with a negative predictive value of 95%. In summary, the available evidence is currently insufficient to determine the role of this variant in disease. Therefore, it has been classified as a Variant of Uncertain Significance.

Ambry Genetics
Classification: Uncertain significance for Hereditary cancer-predisposing syndrome. Last evaluated: 2023-11-14. Review status: criteria provided, single submitter. Criteria: Ambry Variant Classification Scheme 2023. Collection method: clinical testing. Allele origin: germline.
Comment: The p.R18L variant (also known as c.53G>T), located in coding exon 1 of the BRCA2 gene, results from a G to T substitution at nucleotide position 53. The arginine at codon 18 is replaced by leucine, an amino acid with dissimilar properties. This amino acid position is well conserved in available vertebrate species. In addition, this alteration is predicted to be tolerated by in silico analysis. Since supporting evidence is limited at this time, the clinical significance of this alteration remains unclear.

NM_000059.4(BRCA2):c.53G>T (p.Arg18Leu)

Gene: BRCA2 (BRCA2 DNA repair associated; plus strand). Cytogenetic location: 13q13.1.
Variant type: single nucleotide variant.
Coding change: c.53G>T on transcript NM_000059.4 (MANE Select); coding-DNA position 53, G replaced by T.
Protein change: p.Arg18Leu; replaces arginine 18 with leucine.
Molecular consequence: missense variant. On other transcripts: non-coding transcript variant (1), intron variant (1).
Genome position (GRCh38, 1-based): chr13:32,316,513, G>T. VCF-style: chr13-32316513-G-T. GRCh37 (hg19) VCF-style: chr13-32890650-G-T.
Other names: c.53G>T, p.Arg18Leu (NM_001406719.1, NM_001406720.1, NM_001406721.1); c.-303+846G>T (NM_001406722.1); short protein forms R18L.
Identifiers: ClinVar variation 3227416 (VCV003227416.3), dbSNP rs80358762, ClinGen allele CA387753070.